The following is an entry in ClinVar:

NM_001113378.2(FANCI):c.3350-88A>G

Gene: FANCI (FA complementation group I; plus strand). Cytogenetic location: 15q26.1.
Variant type: single nucleotide variant.
Coding change: c.3350-88A>G on transcript NM_001113378.2 (MANE Select); 88 bases into the intron before coding-DNA position 3350, A replaced by G.
Molecular consequence: intron variant.
Genome position (GRCh38, 1-based): chr15:89,305,919, A>G. VCF-style: chr15-89305919-A-G. GRCh37 (hg19) VCF-style: chr15-89849150-A-G.
Other names: IVS31AS, A-G, -88; c.3170-88A>G (NM_018193.3); c.3350-88A>G (NM_001376911.1); c.3071-88A>G (NM_001376910.1).
Identifiers: ClinVar variation 929732 (VCV000929732.2), dbSNP rs2054700381, ClinGen allele CA1139664148.

ClinVar aggregate classification (germline): Pathogenic. Review status: no assertion criteria provided (0 of 4 stars). 2 submissions from 2 submitters: Pathogenic (2). Last evaluated 2011-02-07.

Conditions:
Fanconi anemia complementation group I (FANCI). Also called: FANCI-Related Fanconi Anemia. Identifiers: Orphanet 84, MedGen C1836861, MONDO:0012186, OMIM 609053.

Submissions (2):

Leiden Open Variation Database
Classification: Pathogenic for Fanconi anemia complementation group I. Last evaluated: 2011-02-07. Review status: no assertion criteria provided. Collection method: curation. Allele origin: germline. Affected: yes.
Comment: Curator: Arleen D. Auerbach. Submitter to LOVD: Arleen D. Auerbach.

OMIM
Classification: Pathogenic for FANCONI ANEMIA, COMPLEMENTATION GROUP I. Last evaluated: 2007-01-01. Review status: no assertion criteria provided. Collection method: literature only. Allele origin: germline.

Literature cited by the submitters: PubMed 17452773 (cited by Leiden Open Variation Database and OMIM).